The following is an entry in ClinVar:

NM_000278.5(PAX2):c.196A>G (p.Ser66Gly)

Gene: PAX2 (paired box 2; plus strand). Cytogenetic location: 10q24.31.
Variant type: single nucleotide variant.
Coding change: c.196A>G on transcript NM_000278.5 (MANE Select); coding-DNA position 196, A replaced by G.
Protein change: p.Ser66Gly; replaces serine 66 with glycine.
Molecular consequence: missense variant.
Genome position (GRCh38, 1-based): chr10:100,749,898, A>G. VCF-style: chr10-100749898-A-G. GRCh37 (hg19) VCF-style: chr10-102509655-A-G.
Other names: c.289A>G, p.Ser97Gly (NM_001304569.2); c.196A>G, p.Ser66Gly (NM_003987.5, NM_003988.5, NM_003989.5 and 1 more transcripts); short protein forms S66G, S97G.
Identifiers: ClinVar variation 3600304 (VCV003600304.2).

ClinVar aggregate classification (germline): Uncertain significance (1 of 4 stars; one submission).

Conditions:
Renal coloboma syndrome (PAPRS). Also called: PAPILLORENAL SYNDROME; COLOBOMA OF OPTIC NERVE WITH RENAL DISEASE; OPTIC COLOBOMA, VESICOURETERAL REFLUX, AND RENAL ANOMALIES; OPTIC NERVE COLOBOMA WITH RENAL DISEASE; RENAL-COLOBOMA SYNDROME WITH MACULAR ABNORMALITIES; PAPILLORENAL SYNDROME WITH MILD OCULAR ABNORMALITIES. Identifiers: Orphanet 1475, MedGen C1852759, MONDO:0007352, OMIM 120330.

Submission:

Kasturba Medical College, Manipal, Kasturba Medical College, Manipal, Manipal Academy of Higher Education, Manipal, India
Classification: Uncertain significance for Renal coloboma syndrome. Review status: criteria provided, single submitter. Criteria: ACMG Guidelines, 2015. Collection method: research. Allele origin: maternal. Inheritance: Autosomal dominant inheritance. Affected: yes. Observed: 1 heterozygote.
Comment: This variant is absent in the gnomAD (v4.1.0) population database and in our in-house data of 3455 exomes.

Literature cited by the submitters: PubMed 22213154.